The following is an entry in ClinVar:

ClinVar aggregate classification (germline): Benign/Likely benign. Review status: criteria provided, multiple submitters, no conflicts (2 of 4 stars). 8 submissions from 8 submitters: Benign (3); Likely benign (4). 1 of the submissions does not count toward it. Last evaluated 2026-08-01.

Conditions:
Nemaline myopathy 6 (NEM6). Also called: Nemaline myopathy 6, autosomal dominant. Identifiers: Orphanet 171439, MedGen C1836472, MONDO:0012237, OMIM 609273.
KBTBD13-related disorder. Also called: KBTBD13-related condition.

Allele frequency attached by ClinVar (database versions not stated): ExAC 0.00071; 1000 Genomes Project 0.00100; 1000 Genomes Project 30x 0.00156; TOPMed 0.00236; ESP Exome Variant Server 0.00272.
gnomAD v4.1: 5,580 of 1,504,322 alleles (0.37%); highest among the groups gnomAD compares: Non-Finnish European, 0.46%; 19 homozygotes.

Submissions (8):

CeGaT Center for Human Genetics Tuebingen
Classification: Likely benign. Last evaluated: 2026-08-01. Review status: criteria provided, single submitter. Criteria: CeGaT Center For Human Genetics Tuebingen Variant Classification Criteria Version 2. Collection method: clinical testing. Allele origin: germline. Affected: yes. Observed: 11 variant alleles.
Comment: KBTBD13: BS2

Labcorp Genetics (formerly Invitae), Labcorp
Classification: Likely benign for Nemaline myopathy 6. Last evaluated: 2026-01-25. Review status: criteria provided, single submitter. Criteria: Invitae Variant Classification Sherloc (09022015). Collection method: clinical testing. Allele origin: germline.

Blueprint Genetics
Classification: Likely benign. Last evaluated: 2024-11-22. Review status: criteria provided, single submitter. Criteria: ACMG Guidelines, 2015. Collection method: clinical testing. Allele origin: germline.

Mayo Clinic Laboratories, Mayo Clinic
Classification: Benign. Last evaluated: 2022-03-30. Review status: criteria provided, single submitter. Criteria: ACMG Guidelines, 2015. Collection method: clinical testing. Allele origin: germline. Observed: 4 variant alleles.
Comment: BS1, BS2, BP4

GeneDx
Classification: Benign. Last evaluated: 2018-10-09. Review status: criteria provided, single submitter. Criteria: GeneDx Variant Classification Process June 2021. Collection method: clinical testing. Allele origin: germline. Affected: yes.

Illumina Laboratory Services, Illumina
Classification: Benign for Nemaline myopathy 6. Last evaluated: 2018-01-13. Review status: criteria provided, single submitter. Criteria: ICSL Variant Classification Criteria 13 December 2019. Collection method: clinical testing. Allele origin: germline.
Comment: This variant was observed in the ICSL laboratory as part of a predisposition screen in an ostensibly healthy population. It had not been previously curated by ICSL or reported in the Human Gene Mutation Database (HGMD: prior to June 1st, 2018), and was therefore a candidate for classification through an automated scoring system. Utilizing variant allele frequency, disease prevalence and penetrance estimates, and inheritance mode, an automated score was calculated to assess if this variant is too frequent to cause the disease. Based on the score and internal cut-off values, a variant classified as benign is not then subjected to further curation. The score for this variant resulted in a classification of benign for this disease.

Breakthrough Genomics
Classification: Likely benign. Review status: criteria provided, single submitter. Criteria: ACMG Guidelines, 2015. Collection method: not provided. Allele origin: germline. Inheritance: Autosomal dominant inheritance. Affected: yes.

PreventionGenetics, part of Exact Sciences
Classification: Benign for KBTBD13-related condition. Last evaluated: 2023-01-10. Review status: no assertion criteria provided. Collection method: clinical testing. Allele origin: germline. Not counted in ClinVar's aggregate classification.
Comment: This variant is classified as benign based on ACMG/AMP sequence variant interpretation guidelines (Richards et al. 2015 PMID: 25741868, with internal and published modifications).

NM_001101362.3(KBTBD13):c.361G>A (p.Val121Met)

Gene: KBTBD13 (kelch repeat and BTB domain containing 13; plus strand). Cytogenetic location: 15q22.31.
Variant type: single nucleotide variant.
Coding change: c.361G>A on transcript NM_001101362.3 (MANE Select); coding-DNA position 361, G replaced by A.
Protein change: p.Val121Met; replaces valine 121 with methionine.
Molecular consequence: missense variant.
Genome position (GRCh38, 1-based): chr15:65,077,176, G>A. VCF-style: chr15-65077176-G-A. GRCh37 (hg19) VCF-style: chr15-65369514-G-A.
Other names: p.Val121Met; short protein forms V121M.
Identifiers: ClinVar variation 316740 (VCV000316740.81), dbSNP rs201466173, ClinGen allele CA7613928.